The following is an entry in ClinVar:

NM_003227.4(TFR2):c.2133G>A (p.Met711Ile)

Genes: TFR2 (transferrin receptor 2; minus strand), LOC113687175 (Sharpr-MPRA regulatory region 4647; plus strand). Cytogenetic location: 7q22.1.
Variant type: single nucleotide variant.
Coding change: c.2133G>A on transcript NM_003227.4 (MANE Select); coding-DNA position 2133, G replaced by A.
Protein change: p.Met711Ile; replaces methionine 711 with isoleucine.
Molecular consequence: missense variant.
Genome position (GRCh38, 1-based): chr7:100,626,766, C>T on the plus strand (G>A on the coding strand, the complement: TFR2 is on the minus strand). VCF-style: chr7-100626766-C-T. GRCh37 (hg19) VCF-style: chr7-100224389-C-T.
Other names: c.1620G>A, p.Met540Ile (NM_001206855.3); short protein forms M711I, M540I.
Identifiers: ClinVar variation 2186921 (VCV002186921.1), dbSNP rs941111415, ClinGen allele CA4386211.
Genomic context (GRCh38, chr7:100,626,766, plus strand): 5'-GGAGCCCCAGGGGAGGGGCGGGACACTGGGGGCGGGGCGAGGAGGGCGGGGCCTCACCCG[C>T]ATTATGCGCACGTTGTACATGCGTGTCAGTCGCTCGTCTCTCTCCTCCGAGCTGTAGATC-3'
Protein context (NP_003218.2, residues 701-721): RLTRMYNVRI[Met711Ile]RVEFYFLSQY

ClinVar aggregate classification (germline): Uncertain significance (1 of 4 stars; one submission).

Conditions:
Hereditary hemochromatosis (HFE). Identifiers: MedGen C0392514, MONDO:0006507. Disease mechanism: loss of function.

Allele frequency attached by ClinVar (database versions not stated): gnomAD exomes 0.00001; TOPMed 0.00003; ExAC 0.00005; gnomAD 0.00005.
gnomAD v4.1: 16 of 1,544,530 alleles (0.001%); highest among the groups gnomAD compares: African/African-American, 0.0082%; no homozygotes.

Submission:

Labcorp Genetics (formerly Invitae), Labcorp
Classification: Uncertain significance for Hereditary hemochromatosis. Last evaluated: 2021-09-24. Review status: criteria provided, single submitter. Criteria: Invitae Variant Classification Sherloc (09022015). Collection method: clinical testing. Allele origin: germline.
Comment: This sequence change replaces methionine with isoleucine at codon 711 of the TFR2 protein (p.Met711Ile). The methionine residue is highly conserved and there is a small physicochemical difference between methionine and isoleucine. The frequency data for this variant in the population databases is considered unreliable, as metrics indicate poor data quality at this position in the ExAC database. This variant has not been reported in the literature in individuals with TFR2-related conditions. Algorithms developed to predict the effect of missense changes on protein structure and function are either unavailable or do not agree on the potential impact of this missense change (SIFT: "Deleterious"; PolyPhen-2: "Possibly Damaging"; Align-GVGD: "Class C0"). In summary, the available evidence is currently insufficient to determine the role of this variant in disease. Therefore, it has been classified as a Variant of Uncertain Significance.